The following is an entry in ClinVar:

NM_001159699.2(FHL1):c.243C>T (p.Cys81=)

Gene: FHL1 (four and a half LIM domains 1; plus strand). Cytogenetic location: Xq26.3.
Variant type: single nucleotide variant.
Coding change: c.243C>T on transcript NM_001159699.2 (MANE Select); coding-DNA position 243, C replaced by T.
Protein change: p.Cys81=; no amino-acid change (cysteine 81 retained).
Molecular consequence: synonymous variant. On other transcripts: non-coding transcript variant (1).
Genome position (GRCh38, 1-based): chrX:136,207,054, C>T. VCF-style: chrX-136207054-C-T. GRCh37 (hg19) VCF-style: chrX-135289213-C-T.
Other names: c.195C>T, p.Cys65= (NM_001159700.2, NM_001159702.3, NM_001159703.2 and 9 more transcripts); c.282C>T, p.Cys94= (NM_001159701.2); c.243C>T, p.Cys81= (NM_001330659.2); c.195C>T (NM_001159702.2).
Identifiers: ClinVar variation 469629 (VCV000469629.12), dbSNP rs777580253, ClinGen allele CA10524970.

ClinVar aggregate classification (germline): Likely benign. Review status: criteria provided, multiple submitters, no conflicts (2 of 4 stars). 4 submissions from 4 submitters: Likely benign (3). 1 of the submissions does not count toward it. Last evaluated 2024-11-22.

Conditions:
FHL1-related disorder. Also called: FHL1-related condition; FHL1-related disorders.
Cardiovascular phenotype. Identifiers: MedGen CN230736.
X-linked myopathy with postural muscle atrophy. Also called: FHL1-Related Emery-Dreifuss Muscular Dystrophy, X-Linked. Identifiers: Orphanet 178461, MedGen C2678055, MONDO:0010401, OMIM 300696.

Allele frequency attached by ClinVar (database versions not stated): gnomAD exomes 0.00003 and 0.00004; TOPMed 0.00003; gnomAD 0.00004; ExAC 0.00006.

Submissions (4):

Labcorp Genetics (formerly Invitae), Labcorp
Classification: Likely benign for X-linked myopathy with postural muscle atrophy. Last evaluated: 2024-11-22. Review status: criteria provided, single submitter. Criteria: Invitae Variant Classification Sherloc (09022015). Collection method: clinical testing. Allele origin: germline.

Blueprint Genetics
Classification: Likely benign. Last evaluated: 2024-05-10. Review status: criteria provided, single submitter. Criteria: ACMG Guidelines, 2015. Collection method: clinical testing. Allele origin: germline.

Ambry Genetics
Classification: Likely benign for Cardiovascular phenotype. Last evaluated: 2020-06-11. Review status: criteria provided, single submitter. Criteria: Ambry Variant Classification Scheme 2023. Collection method: clinical testing. Allele origin: germline.

PreventionGenetics, part of Exact Sciences
Classification: Likely benign for FHL1-related condition. Last evaluated: 2020-09-03. Review status: no assertion criteria provided. Collection method: clinical testing. Allele origin: germline. Not counted in ClinVar's aggregate classification.
Comment: This variant is classified as likely benign based on ACMG/AMP sequence variant interpretation guidelines (Richards et al. 2015 PMID: 25741868, with internal and published modifications).